The following is an entry in ClinVar:

NM_130839.5(UBE3A):c.1651C>A (p.Gln551Lys)

Genes: SNHG14 (small nucleolar RNA host gene 14; plus strand), UBE3A (ubiquitin protein ligase E3A; minus strand). Cytogenetic location: 15q11.2.
Variant type: single nucleotide variant.
Coding change: c.1651C>A on transcript NM_130839.5 (MANE Select); coding-DNA position 1651, C replaced by A.
Protein change: p.Gln551Lys; replaces glutamine 551 with lysine.
Molecular consequence: missense variant. On other transcripts: non-coding transcript variant (1).
Genome position (GRCh38, 1-based): chr15:25,360,485, G>T on the plus strand (C>A on the coding strand, the complement: UBE3A is on the minus strand). VCF-style: chr15-25360485-G-T. GRCh37 (hg19) VCF-style: chr15-25605632-G-T.
Other names: c.1660C>A, p.Gln554Lys (NM_000462.5); c.1651C>A, p.Gln551Lys (NM_001354505.1, NM_001354538.2, NM_001354545.2); c.1591C>A, p.Gln531Lys (NM_001354506.2, NM_001354507.2, NM_001354508.2 and 17 more transcripts); c.340C>A, p.Gln114Lys (NM_001354551.2); c.1474C>A, p.Gln492Lys (NM_001354546.2); c.400C>A, p.Gln134Lys (NM_001354550.2); short protein forms Q531K, Q554K, Q114K, Q551K, Q134K, Q492K.
Identifiers: ClinVar variation 1396165 (VCV001396165.6), dbSNP rs113932065, ClinGen allele CA391353089.

ClinVar aggregate classification (germline): Uncertain significance (1 of 4 stars; one submission).

Conditions:
Angelman syndrome (AS). Also called: HAPPY PUPPET SYNDROME. Identifiers: Orphanet 72, MedGen C0162635, MONDO:0007113, OMIM 105830. Disease mechanism: loss of function. Inheritance: AS is caused by disruption of maternally imprinted UBE3A located within the 15q11.2-q13 Angelman syndrome/Prader-Willi syndrome (AS/PWS) region., imprinting disorder.

Submission:

Labcorp Genetics (formerly Invitae), Labcorp
Classification: Uncertain significance for Angelman syndrome. Last evaluated: 2021-12-03. Review status: criteria provided, single submitter. Criteria: Invitae Variant Classification Sherloc (09022015). Collection method: clinical testing. Allele origin: germline.
Comment: This sequence change replaces glutamine, which is neutral and polar, with lysine, which is basic and polar, at codon 531 of the UBE3A protein (p.Gln531Lys). This variant is not present in population databases (gnomAD no frequency). This variant has not been reported in the literature in individuals affected with UBE3A-related conditions. Algorithms developed to predict the effect of missense changes on protein structure and function are either unavailable or do not agree on the potential impact of this missense change (SIFT: "Not Available"; PolyPhen-2: "Possibly Damaging"; Align-GVGD: "Not Available"). In summary, the available evidence is currently insufficient to determine the role of this variant in disease. Therefore, it has been classified as a Variant of Uncertain Significance.